The following is an entry in ClinVar:

NM_016343.4(CENPF):c.7000C>T (p.Leu2334Phe)

Gene: CENPF (centromere protein F; plus strand). Cytogenetic location: 1q41.
Variant type: single nucleotide variant.
Coding change: c.7000C>T on transcript NM_016343.4 (MANE Select); coding-DNA position 7000, C replaced by T.
Protein change: p.Leu2334Phe; replaces leucine 2334 with phenylalanine.
Molecular consequence: missense variant.
Genome position (GRCh38, 1-based): chr1:214,646,570, C>T. VCF-style: chr1-214646570-C-T. GRCh37 (hg19) VCF-style: chr1-214819913-C-T.
Other names: short protein forms L2334F.
Identifiers: ClinVar variation 1029445 (VCV001029445.2), dbSNP rs780360553, ClinGen allele CA1391048.
Genomic context (GRCh38, chr1:214,646,570, plus strand): 5'-GAAAAGAAGCAGCTCTGTGTCTTACAACAACTGAAGGAAAGTGAGCATCATGCAGATTTA[C>T]TTAAGGGTAGAGTGGAGAACCTTGAAAGAGAGCTAGAGATAGCCAGGACAAACCAAGAGC-3'
Protein context (NP_057427.3, residues 2324-2344): LKESEHHADL[Leu2334Phe]KGRVENLERE

ClinVar aggregate classification (germline): Uncertain significance. Review status: criteria provided, multiple submitters, no conflicts (2 of 4 stars). 2 submissions from 2 submitters: Uncertain significance (2). Last evaluated 2019-12-24.

Conditions:
Stromme syndrome (STROMS). Also called: APPLE PEEL SYNDROME WITH MICROCEPHALY AND OCULAR ANOMALIES; Strømme Syndrome; Ciliary dyskinesia, primary, 31. Identifiers: Orphanet 444069, Orphanet 506307, MedGen C1855705, MONDO:0009477, OMIM 243605.

Allele frequency attached by ClinVar (database versions not stated): gnomAD exomes below 0.00001 and 0.00001; ExAC 0.00001; gnomAD 0.00001.
gnomAD v4.1: 13 of 1,613,952 alleles (0.00081%); highest among the groups gnomAD compares: Middle Eastern, 0.049%; no homozygotes.

Submissions (2):

Baylor Genetics
Classification: Uncertain significance for Stromme syndrome. Last evaluated: 2019-12-24. Review status: criteria provided, single submitter. Criteria: ACMG Guidelines, 2015. Collection method: clinical testing. Allele origin: unknown. Affected: yes.
Comment: This variant was determined to be of uncertain significance according to ACMG Guidelines, 2015 [PMID:25741868].

Breakthrough Genomics
Classification: Uncertain significance. Review status: criteria provided, single submitter. Criteria: ACMG Guidelines, 2015. Collection method: not provided. Allele origin: germline. Inheritance: Autosomal recessive inheritance. Affected: yes.